The following is an entry in ClinVar:

NM_014915.3(ANKRD26):c.1927G>A (p.Gly643Ser)

Gene: ANKRD26 (ankyrin repeat domain containing 26; minus strand). Cytogenetic location: 10p12.1.
Variant type: single nucleotide variant.
Coding change: c.1927G>A on transcript NM_014915.3 (MANE Select); coding-DNA position 1927, G replaced by A.
Protein change: p.Gly643Ser; replaces glycine 643 with serine.
Molecular consequence: missense variant.
Genome position (GRCh38, 1-based): chr10:27,046,411, C>T on the plus strand (G>A on the coding strand, the complement: ANKRD26 is on the minus strand). VCF-style: chr10-27046411-C-T. GRCh37 (hg19) VCF-style: chr10-27335340-C-T.
Other names: c.1924G>A, p.Gly642Ser (NM_001256053.2); short protein forms G642S, G643S.
Identifiers: ClinVar variation 4103553 (VCV004103553.1).

ClinVar aggregate classification (germline): Uncertain significance (1 of 4 stars; one submission).

Conditions:
Inborn genetic diseases. Identifiers: MedGen C0950123, MeSH D030342.

Submission:

Ambry Genetics
Classification: Uncertain significance for Inborn genetic diseases. Last evaluated: 2025-07-18. Review status: criteria provided, single submitter. Criteria: Ambry Variant Classification Scheme 2023. Collection method: clinical testing. Allele origin: germline.
Comment: The p.G643S variant (also known as c.1927G>A), located in coding exon 18 of the ANKRD26 gene, results from a G to A substitution at nucleotide position 1927. The glycine at codon 643 is replaced by serine, an amino acid with similar properties. This amino acid position is conserved. In addition, this alteration is predicted to be tolerated by in silico analysis. Based on the available evidence, the clinical significance of this variant remains unclear.